The following is an entry in ClinVar:

NM_016284.5(CNOT1):c.3265G>C (p.Val1089Leu)

Gene: CNOT1 (CCR4-NOT transcription complex subunit 1; minus strand). Cytogenetic location: 16q21.
Variant type: single nucleotide variant.
Coding change: c.3265G>C on transcript NM_016284.5 (MANE Select); coding-DNA position 3265, G replaced by C.
Protein change: p.Val1089Leu; replaces valine 1089 with leucine.
Molecular consequence: missense variant. On other transcripts: non-coding transcript variant (1).
Genome position (GRCh38, 1-based): chr16:58,551,209, C>G on the plus strand (G>C on the coding strand, the complement: CNOT1 is on the minus strand). VCF-style: chr16-58551209-C-G. GRCh37 (hg19) VCF-style: chr16-58585113-C-G.
Other names: c.3250G>C, p.Val1084Leu (NM_001265612.2); c.3265G>C, p.Val1089Leu (NM_206999.3); short protein forms V1084L, V1089L.
Identifiers: ClinVar variation 973036 (VCV000973036.4), dbSNP rs2040438229, ClinGen allele CA396172494.
Genomic context (GRCh38, chr16:58,551,209, plus strand): 5'-ACTGTGAGAGATTATTGAAAATAAAAGCAATTTTCTCCTGGATATTTTCTGGGGGCTCCA[C>G]AATTCTCTCAGTTTGATCTGTGGCCACAAGCAACGTATCTATATTTGTAGTATTAATAGA-3'
Protein context (NP_057368.3, residues 1079-1099): LVATDQTERI[Val1089Leu]EPPENIQEKI

ClinVar aggregate classification (germline): Uncertain significance (1 of 4 stars; one submission).

Conditions:
CNOT1-related disorder. Also called: CNOT1-related condition.

Submission:

GeneDx
Classification: Uncertain significance. Last evaluated: 2019-08-16. Review status: criteria provided, single submitter. Criteria: GeneDx Variant Classification Process June 2021. Collection method: clinical testing. Allele origin: germline. Affected: yes.
Comment: Not observed in large population cohorts (Lek et al., 2016); In silico analysis, which includes protein predictors and evolutionary conservation, supports that this variant does not alter protein structure/function; Has not been previously published as pathogenic or benign to our knowledge; This variant is associated with the following publications: (PMID: 32553196)